The following is an entry in ClinVar:

NM_177965.4(CFAP418):c.174A>G (p.Lys58=)

Gene: CFAP418 (cilia and flagella associated protein 418; minus strand). Cytogenetic location: 8q22.1.
Variant type: single nucleotide variant.
Coding change: c.174A>G on transcript NM_177965.4 (MANE Select); coding-DNA position 174, A replaced by G.
Protein change: p.Lys58=; no amino-acid change (lysine 58 retained).
Molecular consequence: synonymous variant.
Genome position (GRCh38, 1-based): chr8:95,263,756, T>C on the plus strand (A>G on the coding strand, the complement: CFAP418 is on the minus strand). VCF-style: chr8-95263756-T-C. GRCh37 (hg19) VCF-style: chr8-96275984-T-C.
Other names: c.174A>G, p.Lys58= (NM_001363260.1); c.174A>G (NM_177965.3).
Identifiers: ClinVar variation 1681143 (VCV001681143.9), dbSNP rs754956516, ClinGen allele CA4815229.

ClinVar aggregate classification (germline): Likely benign. Review status: criteria provided, single submitter (1 of 4 stars). 2 submissions from 2 submitters: Likely benign (1). 1 of the submissions does not count toward it. Last evaluated 2022-07-19.

Conditions:
CFAP418-related disorder. Also called: CFAP418-related condition.

Allele frequency attached by ClinVar (database versions not stated): gnomAD exomes 0.00001 and 0.00002; ExAC 0.00003.
gnomAD v4.1: 20 of 1,605,742 alleles (0.0012%); highest among the groups gnomAD compares: South Asian, 0.02%; no homozygotes.

Submissions (2):

Labcorp Genetics (formerly Invitae), Labcorp
Classification: Likely benign. Last evaluated: 2022-07-19. Review status: criteria provided, single submitter. Criteria: Invitae Variant Classification Sherloc (09022015). Collection method: clinical testing. Allele origin: germline.

PreventionGenetics, part of Exact Sciences
Classification: Likely benign for CFAP418-related condition. Last evaluated: 2021-12-17. Review status: no assertion criteria provided. Collection method: clinical testing. Allele origin: germline. Not counted in ClinVar's aggregate classification.
Comment: This variant is classified as likely benign based on ACMG/AMP sequence variant interpretation guidelines (Richards et al. 2015 PMID: 25741868, with internal and published modifications).